The following is an entry in ClinVar:

NM_004187.5(KDM5C):c.3233C>T (p.Ala1078Val)

Gene: KDM5C (lysine demethylase 5C; minus strand). Cytogenetic location: Xp11.22.
Variant type: single nucleotide variant.
Coding change: c.3233C>T on transcript NM_004187.5 (MANE Select); coding-DNA position 3233, C replaced by T.
Protein change: p.Ala1078Val; replaces alanine 1078 with valine.
Molecular consequence: missense variant. On other transcripts: non-coding transcript variant (3).
Genome position (GRCh38, 1-based): chrX:53,195,298, G>A on the plus strand (C>T on the coding strand, the complement: KDM5C is on the minus strand). VCF-style: chrX-53195298-G-A. GRCh37 (hg19) VCF-style: chrX-53224480-G-A.
Other names: c.3032C>T, p.Ala1011Val (NM_001146702.2); c.3230C>T, p.Ala1077Val (NM_001282622.3, NM_001353979.2, NM_001353982.2); c.3233C>T, p.Ala1078Val (NM_001353978.3, NM_001353981.2, NM_001353984.2); short protein forms A1011V, A1077V, A1078V.
Identifiers: ClinVar variation 2443443 (VCV002443443.2), dbSNP rs2146828438, ClinGen allele CA413110395.
Genomic context (GRCh38, chrX:53,195,298, plus strand): 5'-AGCGTGTAGCAAGAATTTTTCTTGAGGAAGGTCTTGGAGGCCTTCTCCCTCCAGGAGTGC[G>A]CTGTCAGTACCTGTAGCTCTAGCTGTCTCAGCTCCTCCAGCCCCACAGGTAGGTCCCGGC-3'
Protein context (NP_004178.2, residues 1068-1088): LRQLELQVLT[Ala1078Val]HSWREKASKT

ClinVar aggregate classification (germline): Likely pathogenic (1 of 4 stars; one submission).

Submission:

GeneDx
Classification: Likely pathogenic. Last evaluated: 2023-05-24. Review status: criteria provided, single submitter. Criteria: GeneDx Variant Classification Process June 2021. Collection method: clinical testing. Allele origin: germline. Affected: yes.
Comment: Not observed at significant frequency in large population cohorts (gnomAD); In silico analysis supports that this missense variant does not alter protein structure/function; Has not been previously published as pathogenic or benign to our knowledge